The following is an entry in ClinVar:

NM_001267550.2(TTN):c.45082+5G>A

Genes: TTN (titin; minus strand), LOC126806427 (BRD4-independent group 4 enhancer GRCh37_chr2:179485777-179486976; plus strand). Cytogenetic location: 2q31.2.
Variant type: single nucleotide variant.
Coding change: c.45082+5G>A on transcript NM_001267550.2 (MANE Select); 5 bases into the intron after coding-DNA position 45082, G replaced by A.
Molecular consequence: intron variant.
Genome position (GRCh38, 1-based): chr2:178,621,835, C>T on the plus strand (G>A on the coding strand, the complement: TTN is on the minus strand). VCF-style: chr2-178621835-C-T. GRCh37 (hg19) VCF-style: chr2-179486562-C-T.
Other names: c.17887+5G>A (NM_003319.4); c.18463+5G>A (NM_133437.4); c.18262+5G>A (NM_133432.3); c.37378+5G>A (NM_133378.4); c.40159+5G>A (NM_001256850.1).
Identifiers: ClinVar variation 960709 (VCV000960709.10), dbSNP rs2058337645, ClinGen allele CA1139657460.

ClinVar aggregate classification (germline): Uncertain significance (1 of 4 stars; one submission).

Conditions:
Dilated cardiomyopathy 1G (CMD1G). Identifiers: Orphanet 154, MedGen C1858763, MONDO:0011400, OMIM 604145.
Autosomal recessive limb-girdle muscular dystrophy type 2J (LGMDR10). Also called: Limb-girdle muscular dystrophy, type 2J; MUSCULAR DYSTROPHY, LIMB-GIRDLE, AUTOSOMAL RECESSIVE 10. Identifiers: Orphanet 140922, MedGen C1837342, MONDO:0012127, OMIM 608807.

Submission:

Labcorp Genetics (formerly Invitae), Labcorp
Classification: Uncertain significance for Dilated cardiomyopathy 1G; Autosomal recessive limb-girdle muscular dystrophy type 2J. Last evaluated: 2025-08-11. Review status: criteria provided, single submitter. Criteria: Invitae Variant Classification Sherloc (09022015). Collection method: clinical testing. Allele origin: germline.
Comment: This sequence change falls in intron 244 of the TTN gene. It does not directly change the encoded amino acid sequence of the TTN protein. It affects a nucleotide within the consensus splice site. This variant is not present in population databases (gnomAD no frequency). This variant has not been reported in the literature in individuals affected with TTN-related conditions. ClinVar contains an entry for this variant (Variation ID: 960709). Variants that disrupt the consensus splice site are a relatively common cause of aberrant splicing (PMID: 17576681, 9536098). Algorithms developed to predict the effect of sequence changes on RNA splicing suggest that this variant may disrupt the consensus splice site. This variant is located in the I band of TTN (PMID: 25589632). Non-truncating variants in this region may be clinically relevant, but have not been definitively shown to cause cardiomyopathy or neuromuscular disease (PMID: 27493940, 32778822). In summary, the available evidence is currently insufficient to determine the role of this variant in disease. Therefore, it has been classified as a Variant of Uncertain Significance.

Literature cited by the submitters: PubMed 17576681; PubMed 9536098; PubMed 25589632; PubMed 27493940; PubMed 32778822.